The following is an entry in ClinVar:

NM_181486.4(TBX5):c.1039C>A (p.Pro347Thr)

Gene: TBX5 (T-box transcription factor 5; minus strand). Cytogenetic location: 12q24.21.
Variant type: single nucleotide variant.
Coding change: c.1039C>A on transcript NM_181486.4 (MANE Select); coding-DNA position 1039, C replaced by A.
Protein change: p.Pro347Thr; replaces proline 347 with threonine.
Molecular consequence: missense variant.
Genome position (GRCh38, 1-based): chr12:114,356,050, G>T on the plus strand (C>A on the coding strand, the complement: TBX5 is on the minus strand). VCF-style: chr12-114356050-G-T. GRCh37 (hg19) VCF-style: chr12-114793855-G-T.
Other names: c.1039C>A, p.Pro347Thr (NM_000192.3); c.889C>A, p.Pro297Thr (NM_080717.4); short protein forms P297T, P347T.
Identifiers: ClinVar variation 3966310 (VCV003966310.1).

ClinVar aggregate classification (germline): Uncertain significance (1 of 4 stars; one submission).

Conditions:
Cardiovascular phenotype. Identifiers: MedGen CN230736.

gnomAD v4.1: 1 of 1,614,050 alleles (0.000062%); highest among the groups gnomAD compares: Non-Finnish European, 0.000085%; no homozygotes.

Submission:

Ambry Genetics
Classification: Uncertain significance for Cardiovascular phenotype. Last evaluated: 2025-06-01. Review status: criteria provided, single submitter. Criteria: Ambry Variant Classification Scheme 2023. Collection method: clinical testing. Allele origin: germline.
Comment: The p.P347T variant (also known as c.1039C>A), located in coding exon 8 of the TBX5 gene, results from a C to A substitution at nucleotide position 1039. The proline at codon 347 is replaced by threonine, an amino acid with highly similar properties. This amino acid position is conserved. In addition, this alteration is predicted to be tolerated by in silico analysis. Based on the available evidence, the clinical significance of this variant remains unclear.